The following is an entry in ClinVar:

ClinVar aggregate classification (germline): Uncertain significance (1 of 4 stars; one submission).

Conditions:
Autism spectrum disorder - epilepsy - arthrogryposis syndrome (AMRS). Identifiers: Orphanet 370943, MedGen C3809910, MONDO:0014248, OMIM 615553.

Submission:

Labcorp Genetics (formerly Invitae), Labcorp
Classification: Uncertain significance for Autism spectrum disorder - epilepsy - arthrogryposis syndrome. Last evaluated: 2022-07-18. Review status: criteria provided, single submitter. Criteria: Invitae Variant Classification Sherloc (09022015). Collection method: clinical testing. Allele origin: germline.
Comment: This sequence change falls in intron 3 of the SLC35A3 gene. It does not directly change the encoded amino acid sequence of the SLC35A3 protein. It affects a nucleotide within the consensus splice site. This variant is not present in population databases (gnomAD no frequency). This variant has not been reported in the literature in individuals affected with SLC35A3-related conditions. ClinVar contains an entry for this variant (Variation ID: 1005911). Variants that disrupt the consensus splice site are a relatively common cause of aberrant splicing (PMID: 17576681, 9536098). Algorithms developed to predict the effect of sequence changes on RNA splicing suggest that this variant is not likely to affect RNA splicing. In summary, the available evidence is currently insufficient to determine the role of this variant in disease. Therefore, it has been classified as a Variant of Uncertain Significance.

Literature cited by the submitters: PubMed 17576681; PubMed 9536098.

NM_012243.3(SLC35A3):c.342+4C>T

Gene: SLC35A3 (solute carrier family 35 member A3; plus strand). Cytogenetic location: 1p21.2.
Variant type: single nucleotide variant.
Coding change: c.342+4C>T on transcript NM_012243.3 (MANE Select); 4 bases into the intron after coding-DNA position 342, C replaced by T.
Molecular consequence: intron variant.
Genome position (GRCh38, 1-based): chr1:99,999,419, C>T. VCF-style: chr1-99999419-C-T. GRCh37 (hg19) VCF-style: chr1-100464975-C-T.
Other names: c.342+4C>T (NM_001271684.2); c.468+4C>T (NM_001271685.2).
Identifiers: ClinVar variation 1005911 (VCV001005911.2), dbSNP rs1658617673, ClinGen allele CA1183976567.
Genomic context (GRCh38, chr1:99,999,419, plus strand): 5'-CTTCAGAATAATTTACTGTATGTGGCACTATCAAATCTAGATGCAGCTACTTATCAGGTA[C>T]TTAAAATACATTTCTTTCTTTTTTAAAAAAACTTTTTTCTTATACATAATAATTGTATAT-3'